The following is an entry in ClinVar:

ClinVar aggregate classification (germline): Pathogenic (1 of 4 stars; one submission).

Conditions:
Granulomatous disease, chronic, autosomal recessive, cytochrome b-negative. Also called: GRANULOMATOUS DISEASE, CHRONIC, AUTOSOMAL RECESSIVE, 4; Chronic granulomatous disease, autosomal, due to deficiency of CYBA; CGD DUE TO DEFICIENCY OF THE ALPHA SUBUNIT OF CYTOCHROME b; CGD, AUTOSOMAL RECESSIVE CYTOCHROME b-NEGATIVE; CYBA DEFICIENCY. Identifiers: Orphanet 379, MedGen C1856255, MONDO:0009308, OMIM 233690.

Submission:

Labcorp Genetics (formerly Invitae), Labcorp
Classification: Pathogenic for Granulomatous disease, chronic, autosomal recessive, cytochrome b-negative. Last evaluated: 2021-03-06. Review status: criteria provided, single submitter. Criteria: Invitae Variant Classification Sherloc (09022015). Collection method: clinical testing. Allele origin: germline.
Comment: For these reasons, this variant has been classified as Pathogenic. This variant has not been reported in the literature in individuals with CYBA-related conditions. This variant is a gross deletion of the genomic region encompassing exon(s) 1-3 of the CYBA gene, which includes the initiator codon. The 5' end of this event is unknown as it extends beyond the assayed region for this gene and therefore may encompass additional genes. The 3' boundary is likely confined to intron 3 of the CYBA gene. It is expected to result in an absent or disrupted protein product. Loss-of-function variants in CYBA are known to be pathogenic (PMID: 10910929, 20167518, 22876374).

Literature cited by the submitters: PubMed 10910929; PubMed 20167518; PubMed 22876374.

NC_000016.9:g.(?_88713499)_(88718353_?)del

Genes: CYBA (cytochrome b-245 alpha chain; minus strand), MVD (mevalonate diphosphate decarboxylase; minus strand). Cytogenetic location: 16q24.3.
Variant type: Deletion.
Identifiers: ClinVar variation 1429693 (VCV001429693.6).